The following is an entry in ClinVar:

ClinVar aggregate classification (germline): Uncertain significance. Review status: criteria provided, multiple submitters, no conflicts (2 of 4 stars). 2 submissions from 2 submitters: Uncertain significance (2). Last evaluated 2022-04-25.

Conditions:
Inborn genetic diseases. Identifiers: MedGen C0950123, MeSH D030342.

Allele frequency attached by ClinVar (database versions not stated): gnomAD exomes below 0.00001; TOPMed below 0.00001.
gnomAD v4.1: 7 of 1,613,954 alleles (0.00043%); no homozygotes.

Submissions (2):

Ambry Genetics
Classification: Uncertain significance for Inborn genetic diseases. Last evaluated: 2022-04-25. Review status: criteria provided, single submitter. Criteria: Ambry Variant Classification Scheme 2023. Collection method: clinical testing. Allele origin: germline.

Labcorp Genetics (formerly Invitae), Labcorp
Classification: Uncertain significance. Last evaluated: 2021-08-14. Review status: criteria provided, single submitter. Criteria: Invitae Variant Classification Sherloc (09022015). Collection method: clinical testing. Allele origin: germline.
Comment: This sequence change replaces phenylalanine with leucine at codon 403 of the GRM6 protein (p.Phe403Leu). The phenylalanine residue is highly conserved and there is a small physicochemical difference between phenylalanine and leucine. This variant is not present in population databases (ExAC no frequency). This variant has not been reported in the literature in individuals affected with GRM6-related conditions. Advanced modeling of protein sequence and biophysical properties (such as structural, functional, and spatial information, amino acid conservation, physicochemical variation, residue mobility, and thermodynamic stability) performed at Invitae indicates that this missense variant is expected to disrupt GRM6 protein function. In summary, the available evidence is currently insufficient to determine the role of this variant in disease. Therefore, it has been classified as a Variant of Uncertain Significance.

NM_000843.4(GRM6):c.1207T>C (p.Phe403Leu)

Genes: GRM6 (glutamate metabotropic receptor 6; minus strand), ZNF454 (zinc finger protein 454; plus strand). Cytogenetic location: 5q35.3.
Variant type: single nucleotide variant.
Coding change: c.1207T>C on transcript NM_000843.4 (MANE Select); coding-DNA position 1207, T replaced by C.
Protein change: p.Phe403Leu; replaces phenylalanine 403 with leucine.
Molecular consequence: missense variant.
Genome position (GRCh38, 1-based): chr5:178,989,082, A>G on the plus strand (T>C on the coding strand, the complement: GRM6 is on the minus strand). VCF-style: chr5-178989082-A-G. GRCh37 (hg19) VCF-style: chr5-178416083-A-G.
Other names: c.1207T>C (NM_000843.3); short protein forms F403L.
Identifiers: ClinVar variation 1513249 (VCV001513249.6), dbSNP rs1214316029, ClinGen allele CA362430160.